The following is an entry in ClinVar:

NM_000038.6(APC):c.3061C>A (p.Leu1021Ile)

Gene: APC (APC regulator of Wnt signaling pathway; plus strand). Cytogenetic location: 5q22.2.
Variant type: single nucleotide variant.
Coding change: c.3061C>A on transcript NM_000038.6 (MANE Select); coding-DNA position 3061, C replaced by A.
Protein change: p.Leu1021Ile; replaces leucine 1021 with isoleucine.
Molecular consequence: missense variant. On other transcripts: non-coding transcript variant (2).
Genome position (GRCh38, 1-based): chr5:112,838,655, C>A. VCF-style: chr5-112838655-C-A. GRCh37 (hg19) VCF-style: chr5-112174352-C-A.
Other names: c.3061C>A, p.Leu1021Ile (NM_001127510.3, NM_001354895.2, NM_001407450.1); c.3007C>A, p.Leu1003Ile (NM_001127511.3); c.3115C>A, p.Leu1039Ile (NM_001354896.2, NM_001407447.1, NM_001407448.1 and 1 more transcripts); c.3091C>A, p.Leu1031Ile (NM_001354897.2); c.2986C>A, p.Leu996Ile (NM_001354898.2); c.2977C>A, p.Leu993Ile (NM_001354899.2); c.2938C>A, p.Leu980Ile (NM_001354900.2); c.2884C>A, p.Leu962Ile (NM_001354901.2, NM_001407453.1); and 11 more; short protein forms L637I, L861I, L962I, L1011I, L1049I, L895I, L920I, L938I.
Identifiers: ClinVar variation 2562359 (VCV002562359.2), dbSNP rs1765327994, ClinGen allele CA16028037.

ClinVar aggregate classification (germline): Uncertain significance (1 of 4 stars; one submission).

Conditions:
Hereditary cancer-predisposing syndrome. Also called: Neoplastic Syndromes, Hereditary; Hereditary Cancer Syndrome; Hereditary neoplastic syndrome; Tumor predisposition. Identifiers: Orphanet 140162, MedGen C0027672, MeSH D009386, MONDO:0015356.

Submission:

Ambry Genetics
Classification: Uncertain significance for Hereditary cancer-predisposing syndrome. Last evaluated: 2023-04-18. Review status: criteria provided, single submitter. Criteria: Ambry Variant Classification Scheme 2023. Collection method: clinical testing. Allele origin: germline.
Comment: The p.L1021I variant (also known as c.3061C>A), located in coding exon 15 of the APC gene, results from a C to A substitution at nucleotide position 3061. The leucine at codon 1021 is replaced by isoleucine, an amino acid with highly similar properties. This amino acid position is conserved. In addition, in silico predictors for this gene do not accurately predict pathogenicity. Since supporting evidence is limited at this time, the clinical significance of this alteration remains unclear.